The following is an entry in ClinVar:

NM_003331.5(TYK2):c.670C>T (p.Arg224Trp)

Gene: TYK2 (tyrosine kinase 2; minus strand). Cytogenetic location: 19p13.2.
Variant type: single nucleotide variant.
Coding change: c.670C>T on transcript NM_003331.5 (MANE Select); coding-DNA position 670, C replaced by T.
Protein change: p.Arg224Trp; replaces arginine 224 with tryptophan.
Molecular consequence: missense variant.
Genome position (GRCh38, 1-based): chr19:10,365,858, G>A on the plus strand (C>T on the coding strand, the complement: TYK2 is on the minus strand). VCF-style: chr19-10365858-G-A. GRCh37 (hg19) VCF-style: chr19-10476534-G-A.
Other names: c.670C>T (LRG_121t1); short protein forms R224W.
Identifiers: ClinVar variation 662089 (VCV000662089.12), dbSNP rs920085264, ClinGen allele CA305207490.
Genomic context (GRCh38, chr19:10,365,858, plus strand): 5'-CCCGCAGGAACCTGCGGAAGACGTTCCGAAGGCGCAGCCGGGTCAGGGCGCTGTGCTGCC[G>A]GATATGCCGGCGGAAGGAGCGCGGGATGCAGTCCTTGAAGCTGGGGGGAAACACAGTGAG-3'
Protein context (NP_003322.3, residues 214-234): CIPRSFRRHI[Arg224Trp]QHSALTRLRL

ClinVar aggregate classification (germline): Uncertain significance. Review status: criteria provided, multiple submitters, no conflicts (2 of 4 stars). 3 submissions from 3 submitters: Uncertain significance (3). Last evaluated 2024-11-11.

Conditions:
Immunodeficiency 35 (IMD35). Also called: TYK2 DEFICIENCY; Susceptibility to infection due to TYK2 deficiency; HIES WITH ATYPICAL MYCOBACTERIOSIS, AUTOSOMAL RECESSIVE; HYPER-IgE SYNDROME WITH ATYPICAL MYCOBACTERIOSIS, AUTOSOMAL RECESSIVE. Identifiers: Orphanet 331226, MedGen C1969086, MONDO:0012682, OMIM 611521.

Allele frequency attached by ClinVar (database versions not stated): gnomAD exomes 0.00002; gnomAD 0.00003; TOPMed 0.00006.

Submissions (3):

Labcorp Genetics (formerly Invitae), Labcorp
Classification: Uncertain significance for Immunodeficiency 35. Last evaluated: 2024-11-11. Review status: criteria provided, single submitter. Criteria: Invitae Variant Classification Sherloc (09022015). Collection method: clinical testing. Allele origin: germline.
Comment: This sequence change replaces arginine, which is basic and polar, with tryptophan, which is neutral and slightly polar, at codon 224 of the TYK2 protein (p.Arg224Trp). This variant is present in population databases (no rsID available, gnomAD 0.007%). This variant has not been reported in the literature in individuals affected with TYK2-related conditions. ClinVar contains an entry for this variant (Variation ID: 662089). Invitae Evidence Modeling of protein sequence and biophysical properties (such as structural, functional, and spatial information, amino acid conservation, physicochemical variation, residue mobility, and thermodynamic stability) indicates that this missense variant is not expected to disrupt TYK2 protein function with a negative predictive value of 80%. In summary, the available evidence is currently insufficient to determine the role of this variant in disease. Therefore, it has been classified as a Variant of Uncertain Significance.

Center for Genomics, Ann and Robert H. Lurie Children's Hospital of Chicago
Classification: Uncertain significance for Immunodeficiency 35. Last evaluated: 2021-07-14. Review status: criteria provided, single submitter. Criteria: ACMG Guidelines, 2015. Collection method: clinical testing. Allele origin: germline.
Comment: TYK2 NM_003331.4 p.Arg224Trp exon 7 (c.670C>T):This variant has not been reported in the literature but is present in 0.005% (4/68044) of European alleles in the Genome Aggregation Database. This variant is present in ClinVar (Variation ID:662089). Evolutionary conservation suggests that this variant may not impact the protein; computational predictive tools for this variant are unclear. In summary, data on this variant is insufficient for disease classification. Therefore, the clinical significance of this variant is uncertain.

Illumina Laboratory Services, Illumina
Classification: Uncertain significance for Immunodeficiency 35. Last evaluated: 2018-01-12. Review status: criteria provided, single submitter. Criteria: ICSL Variant Classification Criteria 13 December 2019. Collection method: clinical testing. Allele origin: germline.